The following is an entry in ClinVar:

ClinVar aggregate classification (germline): Uncertain significance (1 of 4 stars; one submission).

Allele frequency attached by ClinVar (database versions not stated): gnomAD exomes 0.00001.
gnomAD v4.1: 14 of 1,608,642 alleles (0.00087%); highest among the groups gnomAD compares: Non-Finnish European, 0.0012%; no homozygotes.

Submission:

GeneDx
Classification: Uncertain significance. Last evaluated: 2016-12-09. Review status: criteria provided, single submitter. Criteria: GeneDx Variant Classification (06012015). Collection method: clinical testing. Allele origin: germline. Affected: yes.
Comment: The A358D variant has not been published as a pathogenic variant, nor has it been reported as a benign variant to our knowledge. The A358D variant was not observed in approximately 6500 individuals of European and African American ancestry in the NHLBI Exome Sequencing Project, indicating it is not a common benign variant in these populations. The A358D variant is a non-conservative amino acid substitution, which is likely to impact secondary protein structure as these residues differ in polarity, charge, size and/or other properties. This substitution occurs at a position that is conserved across species. In silico analysis predicts this variant is probably damaging to the protein structure/function. In summary, based on the currently available information, it is unclear whether this variant is a pathogenic variant or a rare benign variant.

NM_000443.4(ABCB4):c.1073C>A (p.Ala358Asp)

Gene: ABCB4 (ATP binding cassette subfamily B member 4; minus strand). Cytogenetic location: 7q21.12.
Variant type: single nucleotide variant.
Coding change: c.1073C>A on transcript NM_000443.4 (MANE Select); coding-DNA position 1073, C replaced by A.
Protein change: p.Ala358Asp; replaces alanine 358 with aspartic acid.
Molecular consequence: missense variant.
Genome position (GRCh38, 1-based): chr7:87,444,908, G>T on the plus strand (C>A on the coding strand, the complement: ABCB4 is on the minus strand). VCF-style: chr7-87444908-G-T. GRCh37 (hg19) VCF-style: chr7-87074224-G-T.
Other names: c.1073C>A, p.Ala358Asp (NM_018849.3, NM_018850.3); short protein forms A358D.
Identifiers: ClinVar variation 373429 (VCV000373429.1), dbSNP rs1057518413, ClinGen allele CA16042717.
Genomic context (GRCh38, chr7:87,444,908, plus strand): 5'-AATAAATGACTTACATTATCAATAATATCAAAGATCACATATGCTGCTCCTCTTGCATTG[G>T]CAAAAGCATCAATACATGGGGCAGCCTGGCCAACACTGAAAGCTCCAATTAGGATTGAAA-3'
Protein context (NP_000434.1, residues 348-368): GQAAPCIDAF[Ala358Asp]NARGAAYVIF